The following is an entry in ClinVar:

ClinVar aggregate classification (germline): Uncertain significance (1 of 4 stars; one submission).

Conditions:
EGFR-related lung cancer (EGFR). Identifiers: MedGen CN130014.

Submission:

Labcorp Genetics (formerly Invitae), Labcorp
Classification: Uncertain significance for EGFR-related lung cancer. Last evaluated: 2024-06-17. Review status: criteria provided, single submitter. Criteria: Invitae Variant Classification Sherloc (09022015). Collection method: clinical testing. Allele origin: germline.
Comment: This sequence change replaces proline, which is neutral and non-polar, with serine, which is neutral and polar, at codon 195 of the EGFR protein (p.Pro195Ser). This variant is not present in population databases (gnomAD no frequency). This variant has not been reported in the literature in individuals affected with EGFR-related conditions. An algorithm developed to predict the effect of missense changes on protein structure and function (PolyPhen-2) suggests that this variant is likely to be tolerated. In summary, the available evidence is currently insufficient to determine the role of this variant in disease. Therefore, it has been classified as a Variant of Uncertain Significance.

NM_005228.5(EGFR):c.583C>T (p.Pro195Ser)

Gene: EGFR (epidermal growth factor receptor; plus strand). Cytogenetic location: 7p11.2.
Variant type: single nucleotide variant.
Coding change: c.583C>T on transcript NM_005228.5 (MANE Select); coding-DNA position 583, C replaced by T.
Protein change: p.Pro195Ser; replaces proline 195 with serine.
Molecular consequence: missense variant. On other transcripts: intron variant (1).
Genome position (GRCh38, 1-based): chr7:55,151,317, C>T. VCF-style: chr7-55151317-C-T. GRCh37 (hg19) VCF-style: chr7-55219010-C-T.
Other names: c.448C>T, p.Pro150Ser (NM_001346897.2, NM_001346899.2); c.583C>T, p.Pro195Ser (NM_001346898.2, NM_201282.2, NM_201283.2 and 1 more transcripts); c.424C>T, p.Pro142Ser (NM_001346900.2); c.89-4513C>T (NM_001346941.2); short protein forms P150S, P195S, P142S.
Identifiers: ClinVar variation 3656812 (VCV003656812.2).